The following is an entry in ClinVar:

ClinVar aggregate classification (germline): Benign. Review status: criteria provided, multiple submitters, no conflicts (2 of 4 stars). 3 submissions from 3 submitters: Benign (3). Last evaluated 2018-07-09.

Conditions:
Autosomal recessive nonsyndromic hearing loss 3. Also called: NEUROSENSORY NONSYNDROMIC RECESSIVE DEAFNESS 3. Identifiers: Orphanet 90636, MedGen C1838263, MONDO:0010860, OMIM 600316.

Allele frequency attached by ClinVar (database versions not stated): gnomAD exomes 0.41309; gnomAD 0.45512 and 0.46393; TOPMed 0.47209; 1000 Genomes Project 30x 0.60681; 1000 Genomes Project 0.60743.
gnomAD v4.1: 253,859 of 595,858 alleles (43%); highest among the groups gnomAD compares: South Asian, 70%; 60,889 homozygotes.

Submissions (3):

GeneDx
Classification: Benign. Last evaluated: 2018-07-09. Review status: criteria provided, single submitter. Criteria: GeneDx Variant Classification Process June 2021. Collection method: clinical testing. Allele origin: germline. Affected: yes.

Illumina Laboratory Services, Illumina
Classification: Benign for Autosomal recessive nonsyndromic hearing loss 3. Last evaluated: 2018-01-12. Review status: criteria provided, single submitter. Criteria: ICSL Variant Classification Criteria 13 December 2019. Collection method: clinical testing. Allele origin: germline.
Comment: This variant was observed in the ICSL laboratory as part of a predisposition screen in an ostensibly healthy population. It had not been previously curated by ICSL or reported in the Human Gene Mutation Database (HGMD: prior to June 1st, 2018), and was therefore a candidate for classification through an automated scoring system. Utilizing variant allele frequency, disease prevalence and penetrance estimates, and inheritance mode, an automated score was calculated to assess if this variant is too frequent to cause the disease. Based on the score and internal cut-off values, a variant classified as benign is not then subjected to further curation. The score for this variant resulted in a classification of benign for this disease.

Breakthrough Genomics
Classification: Benign. Review status: criteria provided, single submitter. Criteria: ACMG Guidelines, 2015. Collection method: not provided. Allele origin: germline. Inheritance: Autosomal recessive inheritance. Affected: yes.

NM_016239.4(MYO15A):c.-219-14T>C

Gene: MYO15A (myosin XVA; plus strand). Cytogenetic location: 17p11.2.
Variant type: single nucleotide variant.
Coding change: c.-219-14T>C on transcript NM_016239.4 (MANE Select); 14 bases into the intron before 219 bases upstream of the start codon, T replaced by C.
Molecular consequence: intron variant.
Genome position (GRCh38, 1-based): chr17:18,118,568, T>C. VCF-style: chr17-18118568-T-C. GRCh37 (hg19) VCF-style: chr17-18021882-T-C.
Identifiers: ClinVar variation 322102 (VCV000322102.9), dbSNP rs854817, ClinGen allele CA10649636.
Genomic context (GRCh38, chr17:18,118,568, plus strand): 5'-CCCAGCACAGGCCTCATAGGCAGGCTTCCCCATCCTGGTAAACAACACCCACACACTTTC[T>C]ACTACTGCTCTAGGGTGAAACCCAAGGCGCTCTAGAGGAGATGAATTATGGATCCGCCCT-3'